The following is an entry in ClinVar:

ClinVar aggregate classification (germline): Conflicting classifications of pathogenicity. Review status: criteria provided, conflicting classifications (1 of 4 stars). 2 submissions from 2 submitters: Uncertain significance (1); Likely benign (1). Last evaluated 2023-09-14.

Conditions:
Autosomal dominant nocturnal frontal lobe epilepsy 5. Also called: Epilepsy, nocturnal frontal lobe, 5; KCNT1-Related Epilepsy; CILIARY DYSKINESIA, PRIMARY, 28, WITHOUT SITUS INVERSUS; CILIARY DYSKINESIA, PRIMARY, 28, WITH SITUS INVERSUS. Identifiers: Orphanet 98784, MedGen C3554306, MONDO:0014002, OMIM 615005.
Developmental and epileptic encephalopathy, 14 (DEE14). Also called: Early infantile epileptic encephalopathy 14. Identifiers: Orphanet 293181, MedGen C3554195, MONDO:0013989, OMIM 614959.
KCNT1-related disorder. Also called: KCNT1-related condition.

Submissions (2):

PreventionGenetics, part of Exact Sciences
Classification: Uncertain significance for KCNT1-related condition. Last evaluated: 2023-09-14. Review status: criteria provided, single submitter. Criteria: ACMG Guidelines, 2015. Collection method: clinical testing. Allele origin: germline.
Comment: The KCNT1 c.3326G>A variant is predicted to result in the amino acid substitution p.Ser1109Asn. To our knowledge, this variant has not been reported in the literature or in a large population database, indicating this variant is rare. At this time, the clinical significance of this variant is uncertain due to the absence of conclusive functional and genetic evidence.

Labcorp Genetics (formerly Invitae), Labcorp
Classification: Likely benign for Autosomal dominant nocturnal frontal lobe epilepsy 5; Developmental and epileptic encephalopathy, 14. Last evaluated: 2023-08-17. Review status: criteria provided, single submitter. Criteria: Invitae Variant Classification Sherloc (09022015). Collection method: clinical testing. Allele origin: germline.

NM_020822.3(KCNT1):c.3326G>A (p.Ser1109Asn)

Gene: KCNT1 (potassium sodium-activated channel subfamily T member 1; plus strand). Cytogenetic location: 9q34.3.
Variant type: single nucleotide variant.
Coding change: c.3326G>A on transcript NM_020822.3 (MANE Select); coding-DNA position 3326, G replaced by A.
Protein change: p.Ser1109Asn; replaces serine 1109 with asparagine.
Molecular consequence: missense variant.
Genome position (GRCh38, 1-based): chr9:135,786,345, G>A. VCF-style: chr9-135786345-G-A. GRCh37 (hg19) VCF-style: chr9-138678191-G-A.
Other names: c.3191G>A, p.Ser1064Asn (NM_001272003.2); short protein forms S1064N, S1109N.
Identifiers: ClinVar variation 653930 (VCV000653930.10), dbSNP rs1588407944, ClinGen allele CA375491725.